The following is an entry in ClinVar:

NM_000321.3(RB1):c.2520+3_2520+6del

Gene: RB1 (RB transcriptional corepressor 1; plus strand). Cytogenetic location: 13q14.2.
Variant type: Deletion.
Coding change: c.2520+3_2520+6del on transcript NM_000321.3 (MANE Select); bases 3 to 6 of the intron after coding-DNA position 2520, 4 bases deleted (GAGT; older notation c.2520+3_2520+6delGAGT).
Molecular consequence: splice donor variant.
Genome position (GRCh38, 1-based): chr13:48,473,393-48,473,396, GAGT deleted; deleting any 4 consecutive bases within chr13:48,473,391-48,473,396 gives the same sequence; the c. name uses the placement nearest the transcript's 3' end. VCF-style (leftmost placement, unchanged base first): chr13-48473390-GGTGA-G. GRCh37 (hg19) VCF-style: chr13-49047526-GGTGA-G.
Other names: NC_000013.10:g.49047529_49047532del; c.2520+3_2520+6delGAGT (NM_000321.2).
Identifiers: ClinVar variation 428676 (VCV000428676.18), dbSNP rs1131690858, ClinGen allele CA645369528.

ClinVar aggregate classification (germline): Pathogenic/Likely pathogenic. Review status: criteria provided, multiple submitters, no conflicts (2 of 4 stars). 5 submissions from 5 submitters: Pathogenic (4); Likely pathogenic (1). Last evaluated 2024-08-27.

Conditions:
Hereditary cancer-predisposing syndrome. Also called: Neoplastic Syndromes, Hereditary; Hereditary neoplastic syndrome; Tumor predisposition; Hereditary Cancer Syndrome. Identifiers: Orphanet 140162, MedGen C0027672, MeSH D009386, MONDO:0015356.
Hereditary retinoblastoma. Identifiers: Orphanet 357027, MedGen C0751483, MONDO:0018160.
Retinoblastoma (RB1). Also called: RETINOBLASTOMA, SOMATIC. Identifiers: Orphanet 790, MedGen C0035335, MeSH D012175, MONDO:0008380, OMIM 180200, HP:0009919. Disease mechanism: loss of function. Inheritance: Both sporadic and heritable forms are tested..

Submissions (6):

Labcorp Genetics (formerly Invitae), Labcorp
Classification: Pathogenic for Retinoblastoma. Last evaluated: 2024-08-27. Review status: criteria provided, single submitter. Criteria: Invitae Variant Classification Sherloc (09022015). Collection method: clinical testing. Allele origin: germline.
Comment: This sequence change falls in intron 24 of the RB1 gene. It does not directly change the encoded amino acid sequence of the RB1 protein. It affects a nucleotide within the consensus splice site. This variant is not present in population databases (gnomAD no frequency). This variant has been observed in individual(s) with retinoblastoma (PMID: 7881418, 8605116, 25754945). In at least one individual the variant was observed to be de novo. This variant is also known as IVS24+3del4. ClinVar contains an entry for this variant (Variation ID: 428676). Variants that disrupt the consensus splice site are a relatively common cause of aberrant splicing (PMID: 17576681, 9536098). Algorithms developed to predict the effect of sequence changes on RNA splicing suggest that this variant may disrupt the consensus splice site. For these reasons, this variant has been classified as Pathogenic.

Genetic Diagnostic Laboratory, University of Pennsylvania School of Medicine
Classification: Pathogenic for Retinoblastoma. Last evaluated: 2024-05-20. Review status: criteria provided, single submitter. Criteria: ACMG Guidelines, 2015. Collection method: clinical testing. Allele origin: germline. Affected: yes. Observed: 4 variant alleles.
Comment: Case and Pedigree Information: BILATERAL CASES:4, UNILATERAL CASES:0, TOTAL CASES:4, PEDIGREES:4. ACMG Codes Applied:PM2, PS4SUP

GeneDx
Classification: Likely pathogenic. Last evaluated: 2023-10-06. Review status: criteria provided, single submitter. Criteria: GeneDx Variant Classification Process June 2021. Collection method: clinical testing. Allele origin: germline. Affected: yes.
Comment: Not observed at significant frequency in large population cohorts (gnomAD); In silico analysis supports a deleterious effect on splicing and patient-derived cDNA analysis indicates skipping of exon 24 (Houdayer et al., 2008); This variant is associated with the following publications: (PMID: 8346255, 12541220, 18449911, 34247193, 7881418, 34277001, 8605116, 25754945, 24249257, 37602348)

Ambry Genetics
Classification: Pathogenic for Hereditary cancer-predisposing syndrome. Last evaluated: 2021-11-18. Review status: criteria provided, single submitter. Criteria: Ambry Variant Classification Scheme 2023. Collection method: clinical testing. Allele origin: germline.
Comment: The c.2520+3_2520+6delGAGT intronic pathogenic mutation, located in intron 24 of the RB1 gene, results from a deletion of 4 nucleotides within intron 24 of the RB1 gene. This pathogenic mutation has been reported in the germline of multiple individuals diagnosed with sporadic or hereditary retinoblastoma (RB) (Ambry internal data; Lohmann DR et al. Hum. Mol. Genet. 1994 Dec;3:2187-93; Liu Z et al. Genes Chromosomes Cancer. 1995 Dec;14:277-84; Sagi M et al. Fam. Cancer. 2015 Sep;14:471-80). This pathogenic mutation has also been detected in the tumor of an individual with unilateral RB (Hogg A et al. Proc. Natl. Acad. Sci. U.S.A. 1993 Aug;90:7351-5). In addition this mutation leads to the skipping of exon 24 (Ambry internal data; Houdayer et al. Hum Mutat. 2008;29(7):975-82). Of note, this alteration is also designated as g.170405del4 and IVS24+3del4 in published literature. Based on the supporting evidence, this alteration is interpreted as a disease-causing mutation.

Genetics and Molecular Pathology, SA Pathology
Classification: Pathogenic for Hereditary retinoblastoma. Last evaluated: 2020-06-26. Review status: criteria provided, single submitter. Criteria: ACMG Guidelines, 2015. Collection method: clinical testing. Allele origin: germline. Inheritance: Autosomal dominant inheritance. Affected: yes.

Dr. Peter K. Rogan Lab, Western University
No classification provided (evidence only). Condition: Malignant tumor of urinary bladder. Review status: no classification provided. Collection method: in vitro. Allele origin: not applicable. Functional consequence: skipped exon. Not counted in ClinVar's aggregate classification.

Literature cited by the submitters: PubMed 7881418 (cited by Labcorp Genetics (formerly Invitae), Labcorp and Ambry Genetics); PubMed 8605116 (cited by Labcorp Genetics (formerly Invitae), Labcorp and Ambry Genetics); PubMed 25754945 (cited by Labcorp Genetics (formerly Invitae), Labcorp and Ambry Genetics); PubMed 17576681 (cited by Labcorp Genetics (formerly Invitae), Labcorp); PubMed 9536098 (cited by Labcorp Genetics (formerly Invitae), Labcorp); PubMed 12541220 (cited by Ambry Genetics); PubMed 18449911 (cited by Ambry Genetics); PubMed 8346255 (cited by Ambry Genetics).